The following is an entry in ClinVar:

NM_004247.4(EFTUD2):c.407G>T (p.Gly136Val)

Gene: EFTUD2 (elongation factor Tu GTP binding domain containing 2; minus strand). Cytogenetic location: 17q21.31.
Variant type: single nucleotide variant.
Coding change: c.407G>T on transcript NM_004247.4 (MANE Select); coding-DNA position 407, G replaced by T.
Protein change: p.Gly136Val; replaces glycine 136 with valine.
Molecular consequence: missense variant.
Genome position (GRCh38, 1-based): chr17:44,883,668, C>A on the plus strand (G>T on the coding strand, the complement: EFTUD2 is on the minus strand). VCF-style: chr17-44883668-C-A. GRCh37 (hg19) VCF-style: chr17-42961036-C-A.
Other names: c.302G>T, p.Gly101Val (NM_001142605.2); c.407G>T, p.Gly136Val (NM_001258353.2, NM_001258354.2); short protein forms G101V, G136V.
Identifiers: ClinVar variation 1710456 (VCV001710456.3), dbSNP rs2508834595, ClinGen allele CA399825009.
Genomic context (GRCh38, chr17:44,883,668, plus strand): 5'-AAGAGAAATCCTGTTCCAAGTAGCTGAAAGTTCCGTCTTACCTTGCCATGGTGGAGATGT[C>A]CACAAAGGGTCACATTTCTGATGAGCTCTGAGTTATCCATCAGATCCGCCAAGAAACTGA-3'
Protein context (NP_004238.3, residues 126-146): SELIRNVTLC[Gly136Val]HLHHGKTCFV

ClinVar aggregate classification (germline): Uncertain significance (1 of 4 stars; one submission).

Submission:

Greenwood Genetic Center Diagnostic Laboratories, Greenwood Genetic Center
Classification: Uncertain significance. Last evaluated: 2022-07-26. Review status: criteria provided, single submitter. Criteria: ACMG Guidelines, 2015. Collection method: clinical testing. Allele origin: germline. Affected: yes.
Comment: PM2, PP2, PP3